The following is an entry in ClinVar:

ClinVar aggregate classification (germline): Uncertain significance (1 of 4 stars; one submission).

Allele frequency attached by ClinVar (database versions not stated): gnomAD exomes below 0.00001.
gnomAD v4.1: 1 of 1,613,994 alleles (0.000062%); highest among the groups gnomAD compares: East Asian, 0.0022%; no homozygotes.

Submission:

Ambry Genetics
Classification: Uncertain significance. Last evaluated: 2021-07-27. Review status: criteria provided, single submitter. Criteria: Ambry Variant Classification Scheme 2023. Collection method: clinical testing. Allele origin: germline.
Comment: The p.V239M variant (also known as c.715G>A), located in coding exon 2 of the TERF2IP gene, results from a G to A substitution at nucleotide position 715. The valine at codon 239 is replaced by methionine, an amino acid with highly similar properties. This amino acid position is conserved. In addition, this alteration is predicted to be tolerated by in silico analysis. Since supporting evidence is limited at this time, the clinical significance of this alteration remains unclear.

NM_018975.4(TERF2IP):c.715G>A (p.Val239Met)

Gene: TERF2IP (TERF2 interacting protein; plus strand). Cytogenetic location: 16q23.1.
Variant type: single nucleotide variant.
Coding change: c.715G>A on transcript NM_018975.4 (MANE Select); coding-DNA position 715, G replaced by A.
Protein change: p.Val239Met; replaces valine 239 with methionine.
Molecular consequence: missense variant. On other transcripts: non-coding transcript variant (1).
Genome position (GRCh38, 1-based): chr16:75,654,317, G>A. VCF-style: chr16-75654317-G-A. GRCh37 (hg19) VCF-style: chr16-75688215-G-A.
Other names: short protein forms V239M.
Identifiers: ClinVar variation 1757429 (VCV001757429.2), dbSNP rs2507086356, ClinGen allele CA396819053.